The following is an entry in ClinVar:

NM_000493.4(COL10A1):c.1246G>A (p.Gly416Arg)

Genes: COL10A1 (collagen type X alpha 1 chain; minus strand), NT5DC1 (5'-nucleotidase domain containing 1; plus strand). Cytogenetic location: 6q22.1.
Variant type: single nucleotide variant.
Coding change: c.1246G>A on transcript NM_000493.4 (MANE Select); coding-DNA position 1246, G replaced by A.
Protein change: p.Gly416Arg; replaces glycine 416 with arginine.
Molecular consequence: missense variant. On other transcripts: intron variant (1).
Genome position (GRCh38, 1-based): chr6:116,120,870, C>T on the plus strand (G>A on the coding strand, the complement: COL10A1 is on the minus strand). VCF-style: chr6-116120870-C-T. GRCh37 (hg19) VCF-style: chr6-116442033-C-T.
Other names: c.1246G>A, p.Gly416Arg (NM_001424106.1, NM_001424107.1); c.529+2925C>T (NM_152729.3); short protein forms G416R.
Identifiers: ClinVar variation 1021719 (VCV001021719.9), dbSNP rs138141648, ClinGen allele CA3968224.

ClinVar aggregate classification (germline): Uncertain significance (1 of 4 stars; one submission).

gnomAD v4.1: 2 of 1,613,998 alleles (0.00012%); highest among the groups gnomAD compares: Non-Finnish European, 0.00017%; no homozygotes.

Submission:

Labcorp Genetics (formerly Invitae), Labcorp
Classification: Uncertain significance. Last evaluated: 2023-07-07. Review status: criteria provided, single submitter. Criteria: Invitae Variant Classification Sherloc (09022015). Collection method: clinical testing. Allele origin: germline.
Comment: This sequence change replaces glycine, which is neutral and non-polar, with arginine, which is basic and polar, at codon 416 of the COL10A1 protein (p.Gly416Arg). This variant is present in population databases (rs138141648, gnomAD 0.0009%). This variant has not been reported in the literature in individuals affected with COL10A1-related conditions. ClinVar contains an entry for this variant (Variation ID: 1021719). Advanced modeling of protein sequence and biophysical properties (such as structural, functional, and spatial information, amino acid conservation, physicochemical variation, residue mobility, and thermodynamic stability) performed at Invitae indicates that this missense variant is expected to disrupt COL10A1 protein function. In summary, the available evidence is currently insufficient to determine the role of this variant in disease. Therefore, it has been classified as a Variant of Uncertain Significance.